The following is an entry in ClinVar:

ClinVar aggregate classification (germline): Uncertain significance. Review status: criteria provided, multiple submitters, no conflicts (2 of 4 stars). 2 submissions from 2 submitters: Uncertain significance (2). Last evaluated 2025-12-21.

Conditions:
Familial thoracic aortic aneurysm and aortic dissection (TAAD). Also called: Thoracic aortic aneurysms and dissections. Identifiers: Orphanet 91387, MedGen C4707243, MONDO:0019625.
Adams-Oliver syndrome 5 (AOS5). Identifiers: Orphanet 974, MedGen C4014970, MONDO:0014459, OMIM 616028.

gnomAD v4.1: 1 of 1,610,818 alleles (0.000062%); highest among the groups gnomAD compares: Non-Finnish European, 0.000085%; no homozygotes.

Submissions (2):

Ambry Genetics
Classification: Uncertain significance for Familial thoracic aortic aneurysm and aortic dissection. Last evaluated: 2025-12-21. Review status: criteria provided, single submitter. Criteria: Ambry Variant Classification Scheme 2023. Collection method: clinical testing. Allele origin: germline.
Comment: The p.G1320V variant (also known as c.3959G>T), located in coding exon 24 of the NOTCH1 gene, results from a G to T substitution at nucleotide position 3959. The glycine at codon 1320 is replaced by valine, an amino acid with dissimilar properties. This amino acid position is conserved. In addition, this alteration is predicted to be deleterious by in silico analysis. Based on the available evidence, the clinical significance of this variant remains unclear.

Labcorp Genetics (formerly Invitae), Labcorp
Classification: Uncertain significance for Adams-Oliver syndrome 5. Last evaluated: 2025-04-04. Review status: criteria provided, single submitter. Criteria: Invitae Variant Classification Sherloc (09022015). Collection method: clinical testing. Allele origin: germline.
Comment: This sequence change replaces glycine, which is neutral and non-polar, with valine, which is neutral and non-polar, at codon 1320 of the NOTCH1 protein (p.Gly1320Val). This variant is not present in population databases (gnomAD no frequency). This variant has not been reported in the literature in individuals affected with NOTCH1-related conditions. Invitae Evidence Modeling of protein sequence and biophysical properties (such as structural, functional, and spatial information, amino acid conservation, physicochemical variation, residue mobility, and thermodynamic stability) indicates that this missense variant is not expected to disrupt NOTCH1 protein function with a negative predictive value of 80%. In summary, the available evidence is currently insufficient to determine the role of this variant in disease. Therefore, it has been classified as a Variant of Uncertain Significance.

NM_017617.5(NOTCH1):c.3959G>T (p.Gly1320Val)

Gene: NOTCH1 (notch receptor 1; minus strand). Cytogenetic location: 9q34.3.
Variant type: single nucleotide variant.
Coding change: c.3959G>T on transcript NM_017617.5 (MANE Select); coding-DNA position 3959, G replaced by T.
Protein change: p.Gly1320Val; replaces glycine 1320 with valine.
Molecular consequence: missense variant.
Genome position (GRCh38, 1-based): chr9:136,506,582, C>A on the plus strand (G>T on the coding strand, the complement: NOTCH1 is on the minus strand). VCF-style: chr9-136506582-C-A. GRCh37 (hg19) VCF-style: chr9-139401034-C-A.
Other names: c.3959G>T (NM_017617.3); short protein forms G1320V.
Identifiers: ClinVar variation 4754073 (VCV004754073.2).